The following is an entry in ClinVar:

ClinVar aggregate classification (germline): Uncertain significance. Review status: criteria provided, multiple submitters, no conflicts (2 of 4 stars). 2 submissions from 2 submitters: Uncertain significance (2). Last evaluated 2025-09-13.

Conditions:
Ehlers-Danlos syndrome, classic type, 1 (EDSCL1). Also called: EHLERS-DANLOS SYNDROME, GRAVIS TYPE; EHLERS-DANLOS SYNDROME, SEVERE CLASSIC TYPE; Ehlers-Danlos syndrome, type 1; Ehlers-Danlos Syndrome, Classic Type, COL5A1-Related; EDS I. Identifiers: MedGen C0268335, MONDO:0019567, OMIM 130000.

gnomAD v4.1: 5 of 1,613,282 alleles (0.00031%); highest among the groups gnomAD compares: East Asian, 0.0022%; no homozygotes.

Submissions (2):

Labcorp Genetics (formerly Invitae), Labcorp
Classification: Uncertain significance for Ehlers-Danlos syndrome, classic type, 1. Last evaluated: 2025-09-13. Review status: criteria provided, single submitter. Criteria: Invitae Variant Classification Sherloc (09022015). Collection method: clinical testing. Allele origin: germline.
Comment: This sequence change replaces proline, which is neutral and non-polar, with leucine, which is neutral and non-polar, at codon 833 of the COL5A1 protein (p.Pro833Leu). This variant is not present in population databases (gnomAD no frequency). This variant has not been reported in the literature in individuals affected with COL5A1-related conditions. ClinVar contains an entry for this variant (Variation ID: 3902212). Invitae Evidence Modeling of protein sequence and biophysical properties (such as structural, functional, and spatial information, amino acid conservation, physicochemical variation, residue mobility, and thermodynamic stability) indicates that this missense variant is not expected to disrupt COL5A1 protein function with a negative predictive value of 95%. In summary, the available evidence is currently insufficient to determine the role of this variant in disease. Therefore, it has been classified as a Variant of Uncertain Significance.

Women's Health and Genetics/Laboratory Corporation of America, LabCorp
Classification: Uncertain significance. Last evaluated: 2025-05-14. Review status: criteria provided, single submitter. Criteria: LabCorp Variant Classification Summary - May 2015. Collection method: clinical testing. Allele origin: germline.
Comment: Variant summary: COL5A1 c.2498C>T (p.Pro833Leu) results in a non-conservative amino acid change in the encoded protein sequence. Algorithms developed to predict the effect of missense changes on protein structure and function all suggest that this variant is likely to be disruptive. The variant was absent in 250054 control chromosomes. The available data on variant occurrences in the general population are insufficient to allow any conclusion about variant significance. c.2498C>T has been observed in an individual affected with aortic regurgitation and thoracic aortic aneurysm who had Marfan Syndrome, without strong evidence for causality as it was found in the similarly affected mother, but also in three unaffected siblings (Yu_2020). This report does not provide unequivocal conclusions about association of the variant with Ehlers-Danlos syndrome or Multifocal fibromuscular dysplasia. To our knowledge, no experimental evidence demonstrating an impact on protein function has been reported. The following publication has been ascertained in the context of this evaluation (PMID: 33243733). No submitters have cited clinical-significance assessments for this variant to ClinVar. Based on the evidence outlined above, the variant was classified as uncertain significance.

Literature cited by the submitters: PubMed 33243733 (cited by Women's Health and Genetics/Laboratory Corporation of America, LabCorp).

NM_000093.5(COL5A1):c.2498C>T (p.Pro833Leu)

Gene: COL5A1 (collagen type V alpha 1 chain; plus strand). Cytogenetic location: 9q34.3.
Variant type: single nucleotide variant.
Coding change: c.2498C>T on transcript NM_000093.5 (MANE Select); coding-DNA position 2498, C replaced by T.
Protein change: p.Pro833Leu; replaces proline 833 with leucine.
Molecular consequence: missense variant.
Genome position (GRCh38, 1-based): chr9:134,785,002, C>T. VCF-style: chr9-134785002-C-T. GRCh37 (hg19) VCF-style: chr9-137676848-C-T.
Other names: c.2498C>T, p.Pro833Leu (NM_001278074.1); short protein forms P833L.
Identifiers: ClinVar variation 3902212 (VCV003902212.2).